The following is an entry in ClinVar:

NM_000038.6(APC):c.3784T>C (p.Tyr1262His)

Gene: APC (APC regulator of Wnt signaling pathway; plus strand). Cytogenetic location: 5q22.2.
Variant type: single nucleotide variant.
Coding change: c.3784T>C on transcript NM_000038.6 (MANE Select); coding-DNA position 3784, T replaced by C.
Protein change: p.Tyr1262His; replaces tyrosine 1262 with histidine.
Molecular consequence: missense variant.
Genome position (GRCh38, 1-based): chr5:112,839,378, T>C. VCF-style: chr5-112839378-T-C. GRCh37 (hg19) VCF-style: chr5-112175075-T-C.
Other names: c.3784T>C, p.Tyr1262His (NM_001127510.3, NM_001354895.2); c.3730T>C, p.Tyr1244His (NM_001127511.3); c.3838T>C, p.Tyr1280His (NM_001354896.2); c.3814T>C, p.Tyr1272His (NM_001354897.2); c.3709T>C, p.Tyr1237His (NM_001354898.2); c.3700T>C, p.Tyr1234His (NM_001354899.2); c.3661T>C, p.Tyr1221His (NM_001354900.2); c.3607T>C, p.Tyr1203His (NM_001354901.2); and 5 more; short protein forms Y1136H, Y1221H, Y1234H, Y1272H, Y1161H, Y1237H, Y1280H, Y979H.
Identifiers: ClinVar variation 864252 (VCV000864252.11), dbSNP rs1765520960, ClinGen allele CA16029630.

ClinVar aggregate classification (germline): Uncertain significance (1 of 4 stars; one submission).

Conditions:
Familial adenomatous polyposis 1 (FAP1). Also called: POLYPOSIS, ADENOMATOUS INTESTINAL; FAMILIAL ADENOMATOUS POLYPOSIS 1, ATTENUATED. Identifiers: MedGen C2713442, MONDO:0021056, OMIM 175100. Disease mechanism: loss of function.

Submission:

Labcorp Genetics (formerly Invitae), Labcorp
Classification: Uncertain significance for Familial adenomatous polyposis 1. Last evaluated: 2019-01-29. Review status: criteria provided, single submitter. Criteria: Invitae Variant Classification Sherloc (09022015). Collection method: clinical testing. Allele origin: germline.
Comment: In summary, the available evidence is currently insufficient to determine the role of this variant in disease. Therefore, it has been classified as a Variant of Uncertain Significance. Algorithms developed to predict the effect of missense changes on protein structure and function (SIFT, PolyPhen-2, Align-GVGD) all suggest that this variant is likely to be disruptive, but these predictions have not been confirmed by published functional studies and their clinical significance is uncertain. This variant has not been reported in the literature in individuals with APC-related conditions. This variant is not present in population databases (ExAC no frequency). This sequence change replaces tyrosine with histidine at codon 1262 of the APC protein (p.Tyr1262His). The tyrosine residue is highly conserved and there is a moderate physicochemical difference between tyrosine and histidine.